The following is an entry in ClinVar:

NM_006531.5(IFT88):c.1106G>A (p.Arg369His)

Gene: IFT88 (intraflagellar transport 88; plus strand). Cytogenetic location: 13q12.11.
Variant type: single nucleotide variant.
Coding change: c.1106G>A on transcript NM_006531.5 (MANE Select); coding-DNA position 1106, G replaced by A.
Protein change: p.Arg369His; replaces arginine 369 with histidine.
Molecular consequence: missense variant. On other transcripts: non-coding transcript variant (5).
Genome position (GRCh38, 1-based): chr13:20,605,099, G>A. VCF-style: chr13-20605099-G-A. GRCh37 (hg19) VCF-style: chr13-21179238-G-A.
Other names: c.1031G>A, p.Arg344His (NM_001353569.2, NM_001353570.2, NM_001353576.2 and 1 more transcripts); c.1004G>A, p.Arg335His (NM_001353571.2, NM_001353578.2); c.1106G>A, p.Arg369His (NM_001353572.2, NM_001353568.2); c.1049G>A, p.Arg350His (NM_001353573.2, NM_001353575.2, NM_001318491.2); c.947G>A, p.Arg316His (NM_001353574.2); c.1133G>A (NM_175605.3, NM_175605.4); c.1133G>A, p.Arg378His (NM_001318493.2, NM_001353565.2, NM_001353566.2 and 2 more transcripts); c.473G>A, p.Arg158His (NM_001353579.2); short protein forms R335H, R350H, R158H, R316H, R344H, R369H, R378H.
Identifiers: ClinVar variation 1423043 (VCV001423043.9), dbSNP rs187354596, ClinGen allele CA6905270.

ClinVar aggregate classification (germline): Uncertain significance. Review status: criteria provided, multiple submitters, no conflicts (2 of 4 stars). 3 submissions from 3 submitters: Uncertain significance (3). Last evaluated 2026-01-29.

Conditions:
IFT88-related disorder. Also called: IFT88-related condition.

Allele frequency attached by ClinVar (database versions not stated): gnomAD exomes 0.00004 and 0.00006; gnomAD 0.00005; ExAC 0.00006; TOPMed 0.00009; 1000 Genomes Project 0.00020; 1000 Genomes Project 30x 0.00031.
gnomAD v4.1: 87 of 1,404,218 alleles (0.0062%); highest among the groups gnomAD compares: Middle Eastern, 0.019%; no homozygotes.

Submissions (3):

PreventionGenetics, part of Exact Sciences
Classification: Uncertain significance for IFT88-related condition. Last evaluated: 2026-01-29. Review status: criteria provided, single submitter. Criteria: ACMG Guidelines, 2015. Collection method: clinical testing. Allele origin: germline.
Comment: The IFT88 c.1133G>A variant is predicted to result in the amino acid substitution p.Arg378His. To our knowledge, this variant has not been reported in the literature. This variant is reported in 0.0094% of alleles in individuals of Latino descent in gnomAD. At this time, the clinical significance of this variant is uncertain due to the absence of conclusive functional and genetic evidence.

Labcorp Genetics (formerly Invitae), Labcorp
Classification: Uncertain significance. Last evaluated: 2026-01-04. Review status: criteria provided, single submitter. Criteria: Invitae Variant Classification Sherloc (09022015). Collection method: clinical testing. Allele origin: germline.
Comment: This sequence change replaces arginine, which is basic and polar, with histidine, which is basic and polar, at codon 378 of the IFT88 protein (p.Arg378His). This variant is present in population databases (rs187354596, gnomAD 0.01%). This variant has not been reported in the literature in individuals affected with IFT88-related conditions. ClinVar contains an entry for this variant (Variation ID: 1423043). Experimental studies and prediction algorithms are not available or were not evaluated, and the functional significance of this variant is currently unknown. In summary, the available evidence is currently insufficient to determine the role of this variant in disease. Therefore, it has been classified as a Variant of Uncertain Significance.

Ambry Genetics
Classification: Uncertain significance. Last evaluated: 2025-05-29. Review status: criteria provided, single submitter. Criteria: Ambry Variant Classification Scheme 2023. Collection method: clinical testing. Allele origin: germline.